The following is an entry in ClinVar:

ClinVar aggregate classification (germline): Pathogenic. Review status: criteria provided, multiple submitters, no conflicts (2 of 4 stars). 2 submissions from 2 submitters: Pathogenic (2). Last evaluated 2024-12-16.

Conditions:
Retinitis pigmentosa 25 (RP25). Identifiers: Orphanet 791, MedGen C1864446, MONDO:0011272, OMIM 602772.

Submissions (2):

Labcorp Genetics (formerly Invitae), Labcorp
Classification: Pathogenic. Last evaluated: 2024-12-16. Review status: criteria provided, single submitter. Criteria: Invitae Variant Classification Sherloc (09022015). Collection method: clinical testing. Allele origin: germline.
Comment: This sequence change creates a premature translational stop signal (p.Cys916*) in the EYS gene. It is expected to result in an absent or disrupted protein product. Loss-of-function variants in EYS are known to be pathogenic (PMID: 18836446, 20333770). This variant is not present in population databases (gnomAD no frequency). This variant has not been reported in the literature in individuals affected with EYS-related conditions. ClinVar contains an entry for this variant (Variation ID: 802239). For these reasons, this variant has been classified as Pathogenic.

Mendelics
Classification: Pathogenic for Retinitis pigmentosa 25. Last evaluated: 2019-05-28. Review status: criteria provided, single submitter. Criteria: Mendelics Assertion Criteria 2017. Collection method: clinical testing. Allele origin: unknown.

Literature cited by the submitters: PubMed 18836446 (cited by Labcorp Genetics (formerly Invitae), Labcorp); PubMed 20333770 (cited by Labcorp Genetics (formerly Invitae), Labcorp).

NM_001142800.2(EYS):c.2748C>A (p.Cys916Ter)

Gene: EYS (EGF-like photoreceptor maintenance factor; minus strand). Cytogenetic location: 6q12.
Variant type: single nucleotide variant.
Coding change: c.2748C>A on transcript NM_001142800.2 (MANE Select); coding-DNA position 2748, C replaced by A.
Protein change: p.Cys916Ter; replaces cysteine 916 with a stop codon.
Molecular consequence: nonsense.
Genome position (GRCh38, 1-based): chr6:64,902,211, G>T on the plus strand (C>A on the coding strand, the complement: EYS is on the minus strand). VCF-style: chr6-64902211-G-T. GRCh37 (hg19) VCF-style: chr6-65612104-G-T.
Other names: c.2748C>A, p.Cys916Ter (NM_001292009.2); short protein forms C916*.
Identifiers: ClinVar variation 802239 (VCV000802239.5), dbSNP rs1391928253, ClinGen allele CA364785772.
Genomic context (GRCh38, chr6:64,902,211, plus strand): 5'-AGGTTCAGAGGAACATTCATTAATTTCAATTTCACACAGAGATCCAGAAAACCCAGGTCT[G>T]CAAATACACCTTTTAAACAAAAAATTTAGTAACTCCATTAGTATATATGTATAAAATCAA-3'